The following is an entry in ClinVar:

ClinVar aggregate classification (germline): Uncertain significance. Review status: criteria provided, multiple submitters, no conflicts (2 of 4 stars). 2 submissions from 2 submitters: Uncertain significance (2). Last evaluated 2024-06-28.

Allele frequency attached by ClinVar (database versions not stated): gnomAD exomes below 0.00001 and 0.00001; gnomAD 0.00001 and 0.00003; ExAC 0.00002; TOPMed 0.00003.
gnomAD v4.1: 8 of 1,613,872 alleles (0.0005%); highest among the groups gnomAD compares: African/African-American, 0.0027%; no homozygotes.

Submissions (2):

Revvity Omics, Revvity
Classification: Uncertain significance. Last evaluated: 2024-06-28. Review status: criteria provided, single submitter. Criteria: ACMG Guidelines, 2015. Collection method: clinical testing. Allele origin: germline.

Labcorp Genetics (formerly Invitae), Labcorp
Classification: Uncertain significance. Last evaluated: 2022-12-02. Review status: criteria provided, single submitter. Criteria: Invitae Variant Classification Sherloc (09022015). Collection method: clinical testing. Allele origin: germline.
Comment: Algorithms developed to predict the effect of missense changes on protein structure and function are either unavailable or do not agree on the potential impact of this missense change (SIFT: "Tolerated"; PolyPhen-2: "Possibly Damaging"; Align-GVGD: "Class C0"). This sequence change replaces alanine, which is neutral and non-polar, with threonine, which is neutral and polar, at codon 816 of the CDH2 protein (p.Ala816Thr). This variant is present in population databases (rs773655778, gnomAD 0.003%). This variant has not been reported in the literature in individuals affected with CDH2-related conditions. ClinVar contains an entry for this variant (Variation ID: 1494599). In summary, the available evidence is currently insufficient to determine the role of this variant in disease. Therefore, it has been classified as a Variant of Uncertain Significance.

NM_001792.5(CDH2):c.2446G>A (p.Ala816Thr)

Genes: CDH2 (cadherin 2; minus strand), CDH2-AS1 (CDH2 antisense RNA 1; plus strand). Cytogenetic location: 18q12.1.
Variant type: single nucleotide variant.
Coding change: c.2446G>A on transcript NM_001792.5 (MANE Select); coding-DNA position 2446, G replaced by A.
Protein change: p.Ala816Thr; replaces alanine 816 with threonine.
Molecular consequence: missense variant.
Genome position (GRCh38, 1-based): chr18:27,963,425, C>T on the plus strand (G>A on the coding strand, the complement: CDH2 is on the minus strand). VCF-style: chr18-27963425-C-T. GRCh37 (hg19) VCF-style: chr18-25543389-C-T.
Other names: c.2353G>A, p.Ala785Thr (NM_001308176.2); short protein forms A816T, A785T.
Identifiers: ClinVar variation 1494599 (VCV001494599.9), dbSNP rs773655778, ClinGen allele CA8923150.
Genomic context (GRCh38, chr18:27,963,425, plus strand): 5'-TGAAGTCCCCAATGTCTCCAGGGTGTGGGGCTGCAGATCGGACCGGATACTGGGGCTCGG[C>T]GTGGATGGGTCTTTCATCCATTCGTCGGATTCCCACAGGCTTGATGGCATCAGGCTCCAC-3'
Protein context (NP_001783.2, residues 806-826): IRRMDERPIH[Ala816Thr]EPQYPVRSAA